The following is an entry in ClinVar:

NM_014687.4(RUBCN):c.828C>G (p.Pro276=)

Gene: RUBCN (rubicon autophagy regulator; minus strand). Cytogenetic location: 3q29.
Variant type: single nucleotide variant.
Coding change: c.828C>G on transcript NM_014687.4 (MANE Select); coding-DNA position 828, C replaced by G.
Protein change: p.Pro276=; no amino-acid change (proline 276 retained).
Molecular consequence: synonymous variant.
Genome position (GRCh38, 1-based): chr3:197,701,046, G>C on the plus strand (C>G on the coding strand, the complement: RUBCN is on the minus strand). VCF-style: chr3-197701046-G-C. GRCh37 (hg19) VCF-style: chr3-197427917-G-C.
Other names: c.648C>G, p.Pro216= (NM_001145642.5); c.828C>G, p.Pro276= (NM_001346873.2).
Identifiers: ClinVar variation 3033546 (VCV003033546.2), dbSNP rs200274445, ClinGen allele CA2787109.

ClinVar aggregate classification (germline): Likely benign (0 of 4 stars; one submission).

Conditions:
RUBCN-related disorder. Also called: RUBCN-related condition.

gnomAD v4.1: 36 of 1,613,794 alleles (0.0022%); highest among the groups gnomAD compares: Non-Finnish European, 0.0028%; no homozygotes.

Submission:

PreventionGenetics, part of Exact Sciences
Classification: Likely benign for RUBCN-related condition. Last evaluated: 2019-06-11. Review status: no assertion criteria provided. Collection method: clinical testing. Allele origin: germline.
Comment: This variant is classified as likely benign based on ACMG/AMP sequence variant interpretation guidelines (Richards et al. 2015 PMID: 25741868, with internal and published modifications).